The following is an entry in ClinVar:

NM_000540.3(RYR1):c.10189G>A (p.Glu3397Lys)

Gene: RYR1 (ryanodine receptor 1; plus strand). Cytogenetic location: 19q13.2.
Variant type: single nucleotide variant.
Coding change: c.10189G>A on transcript NM_000540.3 (MANE Select); coding-DNA position 10189, G replaced by A.
Protein change: p.Glu3397Lys; replaces glutamic acid 3397 with lysine.
Molecular consequence: missense variant.
Genome position (GRCh38, 1-based): chr19:38,519,384, G>A. VCF-style: chr19-38519384-G-A. GRCh37 (hg19) VCF-style: chr19-39010024-G-A.
Other names: c.10189G>A, p.Glu3397Lys (NM_001042723.2); short protein forms E3397K.
Identifiers: ClinVar variation 590362 (VCV000590362.6), dbSNP rs201339536, ClinGen allele CA052557.

ClinVar aggregate classification (germline): Uncertain significance. Review status: criteria provided, multiple submitters, no conflicts (2 of 4 stars). 4 submissions from 4 submitters: Uncertain significance (4). Last evaluated 2024-07-29.

Conditions:
RYR1-related disorder. Also called: RYR1-related disorders; RYR1-related condition. Identifiers: MedGen CN239331.
Malignant hyperthermia, susceptibility to, 1 (MHS1). Also called: Anesthesia related hyperthermia; Malignant hyperpyrexia; Fulminating hyperpyrexia; Pharmacogenic myopathy; RYR1-Related Malignant Hyperthermia Susceptibility; Malignant hyperthermia suceptibility 1. Identifiers: Orphanet 423, MedGen C2930980, MONDO:0007783, OMIM 145600.

Allele frequency attached by ClinVar (database versions not stated): gnomAD 0.00001 and 0.00003; gnomAD exomes 0.00001 and 0.00003; TOPMed 0.00001; ExAC 0.00003; 1000 Genomes Project 30x 0.00031; 1000 Genomes Project 0.00040.
gnomAD v4.1: 18 of 1,605,974 alleles (0.0011%); highest among the groups gnomAD compares: East Asian, 0.025%; no homozygotes.

Submissions (4):

All of Us Research Program, National Institutes of Health
Classification: Uncertain significance for Malignant hyperthermia, susceptibility to, 1. Last evaluated: 2024-07-29. Review status: criteria provided, single submitter. Criteria: ACMG Guidelines, 2015. Collection method: clinical testing. Allele origin: germline. Inheritance: Autosomal dominant inheritance. Observed: 9 variant alleles, 9 heterozygotes.
Comment: This missense variant replaces glutamic acid with lysine at codon 3397 of the RYR1 protein. Computational prediction is inconclusive regarding the impact of this variant on protein structure and function (internally defined REVEL score threshold 0.6 < inconclusive < 0.85, PMID: 27666373). To our knowledge, functional studies have not been reported for this variant. This variant has not been reported in individuals affected with RYR1-related disorders in the literature. This variant has been identified in 9/264640 chromosomes in the general population by the Genome Aggregation Database (gnomAD). The available evidence is insufficient to determine the role of this variant in disease conclusively. Therefore, this variant is classified as a Variant of Uncertain Significance.

This study involves interpretation of variants in research participants for the purpose of population health screening. Participant phenotype was not available at the time of variant classification. Additional details can be found in publication PMID: 35346344, PMCID: PMC8962531

Color Diagnostics, LLC DBA Color Health
Classification: Uncertain significance for Malignant hyperthermia, susceptibility to, 1. Last evaluated: 2023-11-29. Review status: criteria provided, single submitter. Criteria: ACMG Guidelines, 2015. Collection method: clinical testing. Allele origin: germline.
Comment: This missense variant replaces glutamic acid with lysine at codon 3397 of the RYR1 protein. Computational prediction is inconclusive regarding the impact of this variant on protein structure and function (internally defined REVEL score threshold 0.6 < inconclusive < 0.85, PMID: 27666373). To our knowledge, functional studies have not been reported for this variant. This variant has not been reported in individuals affected with RYR1-related disorders in the literature. This variant has been identified in 9/264640 chromosomes in the general population by the Genome Aggregation Database (gnomAD). The available evidence is insufficient to determine the role of this variant in disease conclusively. Therefore, this variant is classified as a Variant of Uncertain Significance.

Labcorp Genetics (formerly Invitae), Labcorp
Classification: Uncertain significance for RYR1-related disorder. Last evaluated: 2022-09-19. Review status: criteria provided, single submitter. Criteria: Invitae Variant Classification Sherloc (09022015). Collection method: clinical testing. Allele origin: germline.
Comment: This sequence change replaces glutamic acid, which is acidic and polar, with lysine, which is basic and polar, at codon 3397 of the RYR1 protein (p.Glu3397Lys). This variant is present in population databases (rs201339536, gnomAD 0.03%). This variant has not been reported in the literature in individuals affected with RYR1-related conditions. ClinVar contains an entry for this variant (Variation ID: 590362). Advanced modeling of protein sequence and biophysical properties (such as structural, functional, and spatial information, amino acid conservation, physicochemical variation, residue mobility, and thermodynamic stability) has been performed at Invitae for this missense variant, however the output from this modeling did not meet the statistical confidence thresholds required to predict the impact of this variant on RYR1 protein function. In summary, the available evidence is currently insufficient to determine the role of this variant in disease. Therefore, it has been classified as a Variant of Uncertain Significance.

PreventionGenetics, part of Exact Sciences
Classification: Uncertain significance. Last evaluated: 2017-01-31. Review status: criteria provided, single submitter. Criteria: ACMG Guidelines, 2015. Collection method: clinical testing. Allele origin: germline.